The following is an entry in ClinVar:

NM_001371727.1(GABRB2):c.679+7A>T

Gene: GABRB2 (gamma-aminobutyric acid type A receptor subunit beta2; minus strand). Cytogenetic location: 5q34.
Variant type: single nucleotide variant.
Coding change: c.679+7A>T on transcript NM_001371727.1 (MANE Select); 7 bases into the intron after coding-DNA position 679, A replaced by T.
Molecular consequence: intron variant.
Genome position (GRCh38, 1-based): chr5:161,336,625, T>A on the plus strand (A>T on the coding strand, the complement: GABRB2 is on the minus strand). VCF-style: chr5-161336625-T-A. GRCh37 (hg19) VCF-style: chr5-160763632-T-A.
Other names: c.679+7A>T (NM_000813.3, NM_021911.3).
Identifiers: ClinVar variation 515606 (VCV000515606.6), dbSNP rs1285127035, ClinGen allele CA658796676.

ClinVar aggregate classification (germline): Likely benign. Review status: criteria provided, multiple submitters, no conflicts (2 of 4 stars). 3 submissions from 3 submitters: Likely benign (2). 1 of the submissions does not count toward it. Last evaluated 2023-10-07.

Conditions:
GABRB2-related disorder. Also called: GABRB2-related condition.
Intellectual disability. Also called: Intellectual developmental disorder; Intellectual functioning disability; intellectual disabilities. Identifiers: MedGen C3714756, MeSH D008607, MONDO:0001071, HP:0001249.

Allele frequency attached by ClinVar (database versions not stated): gnomAD 0.00001; TOPMed 0.00001.
gnomAD v4.1: 1 of 1,612,584 alleles (0.000062%); highest among the groups gnomAD compares: African/African-American, 0.0013%; no homozygotes.

Submissions (3):

Labcorp Genetics (formerly Invitae), Labcorp
Classification: Likely benign for Intellectual disability. Last evaluated: 2023-10-07. Review status: criteria provided, single submitter. Criteria: Invitae Variant Classification Sherloc (09022015). Collection method: clinical testing. Allele origin: germline.

GeneDx
Classification: Likely benign. Last evaluated: 2018-02-22. Review status: criteria provided, single submitter. Criteria: GeneDx Variant Classification (06012015). Collection method: clinical testing. Allele origin: germline. Affected: yes.
Comment: This variant is considered likely benign or benign based on one or more of the following criteria: it is a conservative change, it occurs at a poorly conserved position in the protein, it is predicted to be benign by multiple in silico algorithms, and/or has population frequency not consistent with disease.

PreventionGenetics, part of Exact Sciences
Classification: Likely benign for GABRB2-related condition. Last evaluated: 2019-08-27. Review status: no assertion criteria provided. Collection method: clinical testing. Allele origin: germline. Not counted in ClinVar's aggregate classification.
Comment: This variant is classified as likely benign based on ACMG/AMP sequence variant interpretation guidelines (Richards et al. 2015 PMID: 25741868, with internal and published modifications).